The following is an entry in ClinVar:

ClinVar aggregate classification (germline): Pathogenic (1 of 4 stars; one submission).

Conditions:
Familial cancer of breast. Also called: Hereditary breast cancer; BREAST CANCER, FAMILIAL; hereditary breast carcinoma. Identifiers: Orphanet 227535, MedGen C0346153, MONDO:0016419, OMIM 114480. Disease mechanism: loss of function.

Submission:

Myriad Genetics, Inc.
Classification: Pathogenic for Familial cancer of breast. Last evaluated: 2023-06-01. Review status: criteria provided, single submitter. Criteria: Myriad Autosomal Dominant, Autosomal Recessive and X-Linked Classification Criteria (2023). Collection method: clinical testing. Allele origin: unknown.
Comment: This variant is considered pathogenic. This variant creates a frameshift predicted to result in premature protein truncation.

NM_032043.3(BRIP1):c.1140dup (p.Met381fs)

Gene: BRIP1 (BRCA1 interacting DNA helicase 1; minus strand). Cytogenetic location: 17q23.2.
Variant type: Duplication.
Coding change: c.1140dup on transcript NM_032043.3 (MANE Select); coding-DNA position 1140, one base duplicated (T; older notation c.1140dupT).
Protein change: p.Met381fs; shifts the reading frame from methionine 381.
Molecular consequence: frameshift variant.
Genome position (GRCh38, 1-based): chr17:61,801,253, A duplicated on the plus strand (T on the coding strand, the reverse complement: BRIP1 is on the minus strand). VCF-style (leftmost placement, unchanged base first): chr17-61801252-C-CA. GRCh37 (hg19) VCF-style: chr17-59878613-C-CA.
Other names: short protein forms M381fs.
Identifiers: ClinVar variation 2583675 (VCV002583675.2), dbSNP rs2545150760, ClinGen allele CA2582342217.
Genomic context (GRCh38, chr17:61,801,252, plus strand): 5'-CATTCAACATTTACATCTCCATGAGTAGGAAGAAGGTTCTCATTTTTACACATATACTCA[C>CA]ACTTTCCCTTATTTGTGCATCTAGAAGATAGTTGTAGGGACAAAATATGATGTCAGCATC-3'